The following is an entry in ClinVar:

ClinVar aggregate classification (germline): Uncertain significance (1 of 4 stars; one submission).

Conditions:
RASopathy. Also called: rasopathies; Noonan spectrum disorder. Identifiers: Orphanet 536391, MedGen C5555857, MONDO:0021060.

Submission:

Labcorp Genetics (formerly Invitae), Labcorp
Classification: Uncertain significance for RASopathy. Last evaluated: 2022-11-24. Review status: criteria provided, single submitter. Criteria: Invitae Variant Classification Sherloc (09022015). Collection method: clinical testing. Allele origin: germline.
Comment: This variant is not present in population databases (gnomAD no frequency). This sequence change replaces isoleucine, which is neutral and non-polar, with leucine, which is neutral and non-polar, at codon 369 of the MAP2K2 protein (p.Ile369Leu). This variant has not been reported in the literature in individuals affected with MAP2K2-related conditions. In summary, the available evidence is currently insufficient to determine the role of this variant in disease. Therefore, it has been classified as a Variant of Uncertain Significance. Advanced modeling of protein sequence and biophysical properties (such as structural, functional, and spatial information, amino acid conservation, physicochemical variation, residue mobility, and thermodynamic stability) performed at Invitae indicates that this missense variant is not expected to disrupt MAP2K2 protein function.

NM_030662.4(MAP2K2):c.1105A>C (p.Ile369Leu)

Gene: MAP2K2 (mitogen-activated protein kinase kinase 2; minus strand). Cytogenetic location: 19p13.3.
Variant type: single nucleotide variant.
Coding change: c.1105A>C on transcript NM_030662.4 (MANE Select); coding-DNA position 1105, A replaced by C.
Protein change: p.Ile369Leu; replaces isoleucine 369 with leucine.
Molecular consequence: missense variant.
Genome position (GRCh38, 1-based): chr19:4,090,696, T>G on the plus strand (A>C on the coding strand, the complement: MAP2K2 is on the minus strand). VCF-style: chr19-4090696-T-G. GRCh37 (hg19) VCF-style: chr19-4090694-T-G.
Other names: short protein forms I369L.
Identifiers: ClinVar variation 2816445 (VCV002816445.3), dbSNP rs2512299743, ClinGen allele CA403381194.
Genomic context (GRCh38, chr19:4,090,696, plus strand): 5'-GCCGCAGGGTTTTACACAACCAGCCGGCAAAATCCACTTCTTCCACCTCGGACCGCTTGA[T>G]GAAGGTGTGGTTCTGCAAGGAAAGGGGAGCCGTGAGCACCCGGGCCTGGAGTCACAGTAG-3'
Protein context (NP_109587.1, residues 359-379): DLKMLTNHTF[Ile369Leu]KRSEVEEVDF